The following is an entry in ClinVar:

NM_201384.3(PLEC):c.4000A>G (p.Ile1334Val)

Gene: PLEC (plectin; minus strand). Cytogenetic location: 8q24.3.
Variant type: single nucleotide variant.
Coding change: c.4000A>G on transcript NM_201384.3 (MANE Select); coding-DNA position 4000, A replaced by G.
Protein change: p.Ile1334Val; replaces isoleucine 1334 with valine.
Molecular consequence: missense variant.
Genome position (GRCh38, 1-based): chr8:143,926,828, T>C on the plus strand (A>G on the coding strand, the complement: PLEC is on the minus strand). VCF-style: chr8-143926828-T-C. GRCh37 (hg19) VCF-style: chr8-145000996-T-C.
Other names: c.4012A>G, p.Ile1338Val (NM_201383.3); c.4081A>G, p.Ile1361Val (NM_000445.5, NM_001410941.1); c.3958A>G, p.Ile1320Val (NM_201378.4); c.3934A>G, p.Ile1312Val (NM_201379.3); c.4411A>G, p.Ile1471Val (NM_201380.4); c.3904A>G, p.Ile1302Val (NM_201381.3); c.4000A>G, p.Ile1334Val (NM_201382.4); short protein forms I1334V, I1338V, I1302V, I1312V, I1320V, I1361V, I1471V.
Identifiers: ClinVar variation 2936957 (VCV002936957.3), dbSNP rs1435787941, ClinGen allele CA372563192.

ClinVar aggregate classification (germline): Uncertain significance (1 of 4 stars; one submission).

Conditions:
Epidermolysis bullosa simplex with nail dystrophy (EBS5D). Identifiers: MedGen C4225309, MONDO:0014661, OMIM 616487.
Epidermolysis bullosa simplex 5C, with pyloric atresia (EBS5C). Also called: PLEC-Related Epidermolysis Bullosa with Pyloric Atresia; Epidermolysis bullosa simplex with pyloric atresia; PLEC1-Related Epidermolysis Bullosa with Pyloric Atresia. Identifiers: Orphanet 158684, MedGen C2677349, MONDO:0012807, OMIM 612138.
Autosomal recessive limb-girdle muscular dystrophy type 2Q (LGMDR17). Also called: MUSCULAR DYSTROPHY, LIMB-GIRDLE, AUTOSOMAL RECESSIVE 17. Identifiers: Orphanet 254361, MedGen C3150989, MONDO:0013390, OMIM 613723.
Epidermolysis bullosa simplex, Ogna type (EBS5A). Also called: Pidermolysis bullosa simplex 5A, Ogna type; EPIDERMOLYSIS BULLOSA SIMPLEX 5A, OGNA TYPE. Identifiers: Orphanet 79401, MedGen C0432317, MONDO:0007555, OMIM 131950.
Epidermolysis bullosa simplex 5B, with muscular dystrophy (EBS5B). Also called: EPIDERMOLYSIS BULLOSA SIMPLEX AND LIMB-GIRDLE MUSCULAR DYSTROPHY; Epidermolysis bullosa simplex with muscular dystrophy. Identifiers: Orphanet 257, MedGen C2931072, MONDO:0009181, OMIM 226670.

gnomAD v4.1: 4 of 1,613,894 alleles (0.00025%); highest among the groups gnomAD compares: Admixed American, 0.005%; no homozygotes.

Submission:

Labcorp Genetics (formerly Invitae), Labcorp
Classification: Uncertain significance for Autosomal recessive limb-girdle muscular dystrophy type 2Q; Epidermolysis bullosa simplex, Ogna type; Epidermolysis bullosa simplex with nail dystrophy; Epidermolysis bullosa simplex 5C, with pyloric atresia; Epidermolysis bullosa simplex 5B, with muscular dystrophy. Last evaluated: 2023-12-09. Review status: criteria provided, single submitter. Criteria: Invitae Variant Classification Sherloc (09022015). Collection method: clinical testing. Allele origin: germline.
Comment: This sequence change replaces isoleucine, which is neutral and non-polar, with valine, which is neutral and non-polar, at codon 1361 of the PLEC protein (p.Ile1361Val). This variant is present in population databases (no rsID available, gnomAD 0.006%). This variant has not been reported in the literature in individuals affected with PLEC-related conditions. Advanced modeling of protein sequence and biophysical properties (such as structural, functional, and spatial information, amino acid conservation, physicochemical variation, residue mobility, and thermodynamic stability) performed at Invitae indicates that this missense variant is not expected to disrupt PLEC protein function with a negative predictive value of 80%. In summary, the available evidence is currently insufficient to determine the role of this variant in disease. Therefore, it has been classified as a Variant of Uncertain Significance.